The following is an entry in ClinVar:

NM_000540.3(RYR1):c.12142G>C (p.Val4048Leu)

Gene: RYR1 (ryanodine receptor 1; plus strand). Cytogenetic location: 19q13.2.
Variant type: single nucleotide variant.
Coding change: c.12142G>C on transcript NM_000540.3 (MANE Select); coding-DNA position 12142, G replaced by C.
Protein change: p.Val4048Leu; replaces valine 4048 with leucine.
Molecular consequence: missense variant.
Genome position (GRCh38, 1-based): chr19:38,548,280, G>C. VCF-style: chr19-38548280-G-C. GRCh37 (hg19) VCF-style: chr19-39038920-G-C.
Other names: c.12127G>C, p.Val4043Leu (NM_001042723.2); short protein forms V4043L, V4048L.
Identifiers: ClinVar variation 2899849 (VCV002899849.3), dbSNP rs368835421, ClinGen allele CA058354.

ClinVar aggregate classification (germline): Uncertain significance. Review status: criteria provided, multiple submitters, no conflicts (2 of 4 stars). 3 submissions from 3 submitters: Uncertain significance (3). Last evaluated 2025-06-03.

Conditions:
Malignant hyperthermia, susceptibility to, 1 (MHS1). Also called: Malignant hyperthermia suceptibility 1; Anesthesia related hyperthermia; Malignant hyperpyrexia; Fulminating hyperpyrexia; Pharmacogenic myopathy; RYR1-Related Malignant Hyperthermia Susceptibility. Identifiers: Orphanet 423, MedGen C2930980, MONDO:0007783, OMIM 145600.
RYR1-related disorder. Also called: RYR1-related condition; RYR1-related disorders. Identifiers: MedGen CN239331.

Allele frequency attached by ClinVar (database versions not stated): ESP Exome Variant Server 0.00008.

Submissions (3):

Color Diagnostics, LLC DBA Color Health
Classification: Uncertain significance for Malignant hyperthermia, susceptibility to, 1. Last evaluated: 2025-06-03. Review status: criteria provided, single submitter. Criteria: ACMG Guidelines, 2015. Collection method: clinical testing. Allele origin: germline.
Comment: This missense variant replaces valine with leucine at codon 4048 of the RYR1 protein. Computational prediction is inconclusive regarding the impact of this variant on protein structure and function. To our knowledge, functional studies have not been reported for this variant. This variant has not been reported in individuals affected with RYR1-related disorders in the literature. This variant has been identified in 2/251482 chromosomes in the general population by the Genome Aggregation Database (gnomAD). The available evidence is insufficient to determine the role of this variant in disease conclusively. Therefore, this variant is classified as a Variant of Uncertain Significance.

Labcorp Genetics (formerly Invitae), Labcorp
Classification: Uncertain significance for RYR1-related disorder. Last evaluated: 2023-11-09. Review status: criteria provided, single submitter. Criteria: Invitae Variant Classification Sherloc (09022015). Collection method: clinical testing. Allele origin: germline.
Comment: This sequence change replaces valine, which is neutral and non-polar, with leucine, which is neutral and non-polar, at codon 4048 of the RYR1 protein (p.Val4048Leu). This variant is present in population databases (rs368835421, gnomAD 0.002%). This variant has not been reported in the literature in individuals affected with RYR1-related conditions. Advanced modeling of protein sequence and biophysical properties (such as structural, functional, and spatial information, amino acid conservation, physicochemical variation, residue mobility, and thermodynamic stability) performed at Invitae indicates that this missense variant is expected to disrupt RYR1 protein function with a positive predictive value of 95%. In summary, the available evidence is currently insufficient to determine the role of this variant in disease. Therefore, it has been classified as a Variant of Uncertain Significance.

All of Us Research Program, National Institutes of Health
Classification: Uncertain significance for Malignant hyperthermia, susceptibility to, 1. Last evaluated: 2023-05-08. Review status: criteria provided, single submitter. Criteria: ACMG Guidelines, 2015. Collection method: clinical testing. Allele origin: germline. Inheritance: Autosomal dominant inheritance. Observed: 2 variant alleles, 2 heterozygotes.
Comment: This study involves interpretation of variants in research participants for the purpose of population health screening. Participant phenotype was not available at the time of variant classification. Additional details can be found in publication PMID: 35346344, PMCID: PMC8962531